The following is an entry in ClinVar:

NM_013312.3(HOOK2):c.1464C>G (p.His488Gln)

Gene: HOOK2 (hook microtubule tethering protein 2; minus strand). Cytogenetic location: 19p13.13.
Variant type: single nucleotide variant.
Coding change: c.1464C>G on transcript NM_013312.3 (MANE Select); coding-DNA position 1464, C replaced by G.
Protein change: p.His488Gln; replaces histidine 488 with glutamine.
Molecular consequence: missense variant.
Genome position (GRCh38, 1-based): chr19:12,766,150, G>C on the plus strand (C>G on the coding strand, the complement: HOOK2 is on the minus strand). VCF-style: chr19-12766150-G-C. GRCh37 (hg19) VCF-style: chr19-12876964-G-C.
Other names: dbSNP: rs897804; c.1464C>G, p.His488Gln (NM_001100176.2); short protein forms H488Q.
Identifiers: ClinVar variation 1225367 (VCV001225367.4), dbSNP rs897804, ClinGen allele CA9230689.

ClinVar aggregate classification (germline): Conflicting classifications of pathogenicity. Review status: criteria provided, conflicting classifications (1 of 4 stars). 3 submissions from 3 submitters: Pathogenic (1); Benign (2). Last evaluated 2020-10-29.

Conditions:
Scoliosis, isolated, susceptibility to, 1 (IS1). Also called: ADOLESCENT ISOLATED SCOLIOSIS. Identifiers: MedGen C2700406, MONDO:0008419, OMIM 181800.

Allele frequency attached by ClinVar (database versions not stated): 1000 Genomes Project 30x 0.21362; 1000 Genomes Project 0.21685; TOPMed 0.27894; gnomAD 0.29037 and 0.29134; ESP Exome Variant Server 0.29472; gnomAD exomes 0.32310 and 0.37121; ExAC 0.33646.
gnomAD v4.1: 580,517 of 1,599,928 alleles (36%); highest among the groups gnomAD compares: Middle Eastern, 41%; 112,472 homozygotes.

Submissions (3):

GeneDx
Classification: Benign. Last evaluated: 2020-10-29. Review status: criteria provided, single submitter. Criteria: GeneDx Variant Classification Process June 2021. Collection method: clinical testing. Allele origin: germline. Affected: yes.
Comment: This variant is associated with the following publications: (PMID: 32397755)

Breakthrough Genomics
Classification: Benign. Review status: criteria provided, single submitter. Criteria: ACMG Guidelines, 2015. Collection method: not provided. Allele origin: germline. Inheritance: Unknown mechanism. Affected: yes.

Dr. Orhan Ocalgiray Molecular Biology-Biotechnology and Genetics Research Centre (MOBGAM), Istanbul Technical University
Classification: Pathogenic for Scoliosis, isolated, susceptibility to, 1. Review status: criteria provided, single submitter. Criteria: ACMG Guidelines, 2015. Collection method: research. Allele origin: germline. Inheritance: Autosomal dominant inheritance. Affected: yes. Observed: 1 heterozygote.
Comment: HOOK2 encodes a known interaction partner of POC5 and plays a role in centrosomal structure. The p.His488Gln variant has a moderate CADD score (15.5) and is relatively common (SAS freq 0.2023; max 0.4627 in Ashkenazi Jewish population).